The following is an entry in ClinVar:

NM_172351.3(CD46):c.800_820del (p.Thr267_Asn273del)

Gene: CD46 (CD46 molecule; plus strand). Cytogenetic location: 1q32.2.
Variant type: Deletion.
Coding change: c.800_820del on transcript NM_172351.3 (MANE Select); coding-DNA positions 800 to 820, 21 bases deleted (CAATTGTCTGTGACAGTAACA).
Protein change: p.Thr267_Asn273del.
Molecular consequence: inframe deletion.
Genome position (GRCh38, 1-based): chr1:207,767,139-207,767,159, CAATTGTCTGTGACAGTAACA deleted; deleting any 21 consecutive bases within chr1:207,767,136-207,767,159 gives the same sequence; the c. name uses the placement nearest the transcript's 3' end. VCF-style (leftmost placement, unchanged base first): chr1-207767135-GACACAATTGTCTGTGACAGTA-G. GRCh37 (hg19) VCF-style: chr1-207940480-GACACAATTGTCTGTGACAGTA-G.
Other names: p.Thr267_Asn273del; c.800_820del, p.Thr267_Asn273del (NM_002389.4, NM_172357.3, NM_172358.3 and 8 more transcripts).
Identifiers: ClinVar variation 4291225 (VCV004291225.5).

ClinVar aggregate classification (germline): Conflicting classifications of pathogenicity. Review status: criteria provided, conflicting classifications (1 of 4 stars). 4 submissions from 4 submitters: Likely pathogenic (1); Uncertain significance (3). Last evaluated 2026-09-17.

Conditions:
Atypical hemolytic-uremic syndrome. Identifiers: Orphanet 2134, MedGen C2931788, MONDO:0016244.

Submissions (4):

Genomenon, Inc
Classification: Likely pathogenic for Atypical hemolytic-uremic syndrome. Last evaluated: 2026-09-17. Review status: criteria provided, single submitter. Criteria: Genomenon Sequence Variant Interpretation Standards - Updated. Collection method: curation. Allele origin: germline. Affected: yes.
Comment: CD46 p.Thr267_Asn273del (c.800_820del) is an in-frame deletion that results in the loss of multiple amino acids, from threonine at codon 267 to asparagine at codon 273. This variant has been observed in at least one proband affected with atypical hemolytic-uremic syndrome (PMID:29500241). This variant is located in a mutational hotspot and/or important functional domain. It is absent or not present at a significant frequency in gnomAD. In conclusion, we classify CD46 p.Thr267_Asn273del (c.800_820del) as a likely pathogenic variant.

GeneDx
Classification: Uncertain significance. Last evaluated: 2026-03-24. Review status: criteria provided, single submitter. Criteria: GeneDx Variant Classification Process June 2021. Collection method: clinical testing. Allele origin: germline.
Comment: In-frame deletion of 7 amino acids in a non-repeat region; In silico analysis supports a deleterious effect on protein structure/function; This variant is associated with the following publications: (PMID: 17089378, 29500241)

Labcorp Genetics (formerly Invitae), Labcorp
Classification: Uncertain significance. Last evaluated: 2026-01-08. Review status: criteria provided, single submitter. Criteria: Invitae Variant Classification Sherloc (09022015). Collection method: clinical testing. Allele origin: germline.
Comment: This variant, c.800_820del, results in the deletion of 7 amino acid(s) of the CD46 protein (p.Thr267_Asn273del), but otherwise preserves the integrity of the reading frame. This variant is present in population databases (no rsID available, gnomAD 0.009%). This variant has been observed in individual(s) with atypical hemolytic uremic syndrome (PMID: 17089378, 29500241). ClinVar contains an entry for this variant (Variation ID: 4291225). In summary, the available evidence is currently insufficient to determine the role of this variant in disease. Therefore, it has been classified as a Variant of Uncertain Significance.

Mayo Clinic Laboratories, Mayo Clinic
Classification: Uncertain significance. Last evaluated: 2025-10-03. Review status: criteria provided, single submitter. Criteria: ACMG Guidelines, 2015. Collection method: clinical testing. Allele origin: germline. Observed: 1 variant allele.
Comment: PM2_supporting, PM4

Literature cited by the submitters: PubMed 29500241 (cited by Genomenon, Inc and Labcorp Genetics (formerly Invitae), Labcorp); PubMed 17089378 (cited by Labcorp Genetics (formerly Invitae), Labcorp and Mayo Clinic Laboratories, Mayo Clinic).